The following is an entry in ClinVar:

ClinVar aggregate classification (germline): Pathogenic/Likely pathogenic. Review status: criteria provided, multiple submitters, no conflicts (2 of 4 stars). 2 submissions from 2 submitters: Pathogenic (1); Likely pathogenic (1). Last evaluated 2024-06-13.

Conditions:
Hermansky-Pudlak syndrome 1 (HPS1). Also called: DELTA STORAGE POOL DISEASE. Identifiers: Orphanet 231500, Orphanet 79430, MedGen C2931875, MONDO:0008748, OMIM 203300.

Submissions (2):

Fulgent Genetics
Classification: Likely pathogenic for Hermansky-Pudlak syndrome 1. Last evaluated: 2024-06-13. Review status: criteria provided, single submitter. Criteria: ACMG Guidelines, 2015. Collection method: clinical testing. Allele origin: germline.

Labcorp Genetics (formerly Invitae), Labcorp
Classification: Pathogenic. Last evaluated: 2022-05-07. Review status: criteria provided, single submitter. Criteria: Invitae Variant Classification Sherloc (09022015). Collection method: clinical testing. Allele origin: germline.
Comment: This variant has not been reported in the literature in individuals affected with HPS1-related conditions. For these reasons, this variant has been classified as Pathogenic. This variant is not present in population databases (gnomAD no frequency). This sequence change creates a premature translational stop signal (p.Asp104Glyfs*14) in the HPS1 gene. It is expected to result in an absent or disrupted protein product. Loss-of-function variants in HPS1 are known to be pathogenic (PMID: 12442288, 16185271).

Literature cited by the submitters: PubMed 12442288 (cited by Labcorp Genetics (formerly Invitae), Labcorp); PubMed 16185271 (cited by Labcorp Genetics (formerly Invitae), Labcorp).

NM_000195.5(HPS1):c.310dup (p.Asp104fs)

Gene: HPS1 (HPS1 biogenesis of lysosomal organelles complex 3 subunit 1; minus strand). Cytogenetic location: 10q24.2.
Variant type: Duplication.
Coding change: c.310dup on transcript NM_000195.5 (MANE Select); coding-DNA position 310, one base duplicated (G; older notation c.310dupG).
Protein change: p.Asp104fs; shifts the reading frame from aspartic acid 104.
Molecular consequence: frameshift variant. On other transcripts: 5 prime UTR variant (2), intron variant (7).
Genome position (GRCh38, 1-based): chr10:98,435,360, C duplicated on the plus strand (G on the coding strand, the reverse complement: HPS1 is on the minus strand); the first of 5 consecutive C bases (chr10:98,435,360-98,435,364); duplicating any one gives the same sequence. VCF-style (leftmost placement, unchanged base first): chr10-98435359-T-TC. GRCh37 (hg19) VCF-style: chr10-100195116-T-TC.
Other names: c.-607dup (NM_001311345.2); c.310dup, p.Asp104fs (NM_001322476.2, NM_001322477.2, NM_001322478.2 and 5 more transcripts); c.-706dup (NM_001322487.2); c.29+275dup (NM_001322483.2, NM_001322485.2, NM_001322484.2); c.255+275dup (NM_001322480.2, NM_001322482.2, NM_001322481.2); c.-519+275dup (NM_001322489.2); short protein forms D104fs.
Identifiers: ClinVar variation 2113923 (VCV002113923.5), dbSNP rs2538987319, ClinGen allele CA2580082537.
Genomic context (GRCh38, chr10:98,435,359, plus strand): 5'-GTCACCAGCCCAAAGTGCACTTCAAACAGGTACTTGAGCACATACAGCTTCCGCCGCAGG[T>TC]CCCCCTCGCTCTCGGTGTGGTCACCATTGATGGCAATGAACAGGCATTCTCCAAACTGCA-3'